The following is an entry in ClinVar:

NM_003060.4(SLC22A5):c.29T>A (p.Phe10Tyr)

Gene: SLC22A5 (solute carrier family 22 member 5; plus strand). Cytogenetic location: 5q31.1.
Variant type: single nucleotide variant.
Coding change: c.29T>A on transcript NM_003060.4 (MANE Select); coding-DNA position 29, T replaced by A.
Protein change: p.Phe10Tyr; replaces phenylalanine 10 with tyrosine.
Molecular consequence: missense variant.
Genome position (GRCh38, 1-based): chr5:132,370,001, T>A. VCF-style: chr5-132370001-T-A. GRCh37 (hg19) VCF-style: chr5-131705693-T-A.
Other names: c.29T>A, p.Phe10Tyr (NM_001308122.2); short protein forms F10Y.
Identifiers: ClinVar variation 1026905 (VCV001026905.7), dbSNP rs1751823291, ClinGen allele CA360802234.
Genomic context (GRCh38, chr5:132,370,001, plus strand): 5'-CAGGCCGCGCTCTGTGGGCCTCTGAGGGCGGCATGCGGGACTACGACGAGGTGACCGCCT[T>A]CCTGGGCGAGTGGGGGCCCTTCCAGCGCCTCATCTTCTTCCTGCTCAGCGCCAGCATCAT-3'
Protein context (NP_003051.1, residues 1-20): MRDYDEVTA[Phe10Tyr]LGEWGPFQRL

ClinVar aggregate classification (germline): Uncertain significance (1 of 4 stars; one submission).

Conditions:
Renal carnitine transport defect (CDSP). Also called: Carnitine transporter deficiency; Carnitine Deficiency, Systemic; Primary carnitine deficiency; CARNITINE DEFICIENCY, SYSTEMIC, DUE TO DEFECT IN RENAL REABSORPTION OF CARNITINE; CARNITINE TRANSPORTER, PLASMA-MEMBRANE, DEFICIENCY OF; CARNITINE UPTAKE DEFECT. Identifiers: Orphanet 158, MedGen C0342788, MONDO:0008919, OMIM 212140.

Submission:

Labcorp Genetics (formerly Invitae), Labcorp
Classification: Uncertain significance for Renal carnitine transport defect. Last evaluated: 2020-07-01. Review status: criteria provided, single submitter. Criteria: Invitae Variant Classification Sherloc (09022015). Collection method: clinical testing. Allele origin: germline.
Comment: In summary, the available evidence is currently insufficient to determine the role of this variant in disease. Therefore, it has been classified as a Variant of Uncertain Significance. Algorithms developed to predict the effect of missense changes on protein structure and function (SIFT, PolyPhen-2, Align-GVGD) all suggest that this variant is likely to be tolerated, but these predictions have not been confirmed by published functional studies and their clinical significance is uncertain. This variant has not been reported in the literature in individuals with SLC22A5-related conditions. This variant is not present in population databases (ExAC no frequency). This sequence change replaces phenylalanine with tyrosine at codon 10 of the SLC22A5 protein (p.Phe10Tyr). The phenylalanine residue is highly conserved and there is a small physicochemical difference between phenylalanine and tyrosine.